The following is an entry in ClinVar:

ClinVar aggregate classification (germline): Likely benign. Review status: criteria provided, multiple submitters, no conflicts (2 of 4 stars). 9 submissions from 9 submitters: Likely benign (5). 4 of the submissions do not count toward it. Last evaluated 2025-07-27.

Conditions:
Hypertrophic cardiomyopathy. Also called: HYPERTROPHIC MYOCARDIOPATHY. Identifiers: Orphanet 217569, MedGen C0007194, MeSH D002312, MONDO:0005045, HP:0001639.
Cardiovascular phenotype. Identifiers: MedGen CN230736.
Cardiomyopathy (CMYO). Also called: Cardiomyopathies. Identifiers: Orphanet 167848, MedGen C0878544, MONDO:0004994, HP:0001638. Inheritance: Various modes of inheritance.

Allele frequency attached by ClinVar (database versions not stated): gnomAD exomes 0.00001; TOPMed 0.00001; gnomAD 0.00002.
gnomAD v4.1: 10 of 1,613,912 alleles (0.00062%); highest among the groups gnomAD compares: Non-Finnish European, 0.00085%; no homozygotes.

Submissions (9):

Labcorp Genetics (formerly Invitae), Labcorp
Classification: Likely benign for Hypertrophic cardiomyopathy. Last evaluated: 2025-07-27. Review status: criteria provided, single submitter. Criteria: Invitae Variant Classification Sherloc (09022015). Collection method: clinical testing. Allele origin: germline.

Ambry Genetics
Classification: Likely benign for Cardiovascular phenotype. Last evaluated: 2024-09-30. Review status: criteria provided, single submitter. Criteria: Ambry Variant Classification Scheme 2023. Collection method: clinical testing. Allele origin: germline.

All of Us Research Program, National Institutes of Health
Classification: Likely benign for Hypertrophic cardiomyopathy. Last evaluated: 2023-05-31. Review status: criteria provided, single submitter. Criteria: ACMG Guidelines, 2015. Collection method: clinical testing. Allele origin: germline. Inheritance: Autosomal dominant inheritance. Observed: 2 variant alleles, 2 heterozygotes.
Comment: This study involves interpretation of variants in research participants for the purpose of population health screening. Participant phenotype was not available at the time of variant classification. Additional details can be found in publication PMID: 35346344, PMCID: PMC8962531

GeneDx
Classification: Likely benign. Last evaluated: 2021-05-26. Review status: criteria provided, single submitter. Criteria: GeneDx Variant Classification Process June 2021. Collection method: clinical testing. Allele origin: germline. Affected: yes.

Color Diagnostics, LLC DBA Color Health
Classification: Likely benign for Cardiomyopathy. Last evaluated: 2018-12-01. Review status: criteria provided, single submitter. Criteria: ACMG Guidelines, 2015. Collection method: clinical testing. Allele origin: germline.

Clinical Genetics, Academic Medical Center
Classification: Benign. Review status: no assertion criteria provided. Collection method: clinical testing. Allele origin: germline. Affected: yes. Study: VKGL Data-share Consensus. Not counted in ClinVar's aggregate classification.

Diagnostic Laboratory, Department of Genetics, University Medical Center Groningen
Classification: Likely benign. Review status: no assertion criteria provided. Collection method: clinical testing. Allele origin: germline. Affected: yes. Study: VKGL Data-share Consensus. Not counted in ClinVar's aggregate classification.

Genome Diagnostics Laboratory, University Medical Center Utrecht
Classification: Likely benign. Review status: no assertion criteria provided. Collection method: clinical testing. Allele origin: germline. Affected: yes. Study: VKGL Data-share Consensus. Not counted in ClinVar's aggregate classification.

Joint Genome Diagnostic Labs from Nijmegen and Maastricht, Radboudumc and MUMC+
Classification: Likely benign. Review status: no assertion criteria provided. Collection method: clinical testing. Allele origin: germline. Affected: yes. Study: VKGL Data-share Consensus. Not counted in ClinVar's aggregate classification.

NM_000256.3(MYBPC3):c.2112C>T (p.Asp704=)

Gene: MYBPC3 (myosin binding protein C3; minus strand). Cytogenetic location: 11p11.2.
Variant type: single nucleotide variant.
Coding change: c.2112C>T on transcript NM_000256.3 (MANE Select); coding-DNA position 2112, C replaced by T.
Protein change: p.Asp704=; no amino-acid change (aspartic acid 704 retained).
Molecular consequence: synonymous variant.
Genome position (GRCh38, 1-based): chr11:47,339,360, G>A on the plus strand (C>T on the coding strand, the complement: MYBPC3 is on the minus strand). VCF-style: chr11-47339360-G-A. GRCh37 (hg19) VCF-style: chr11-47360911-G-A.
Identifiers: ClinVar variation 918995 (VCV000918995.18), dbSNP rs547477069, ClinGen allele CA221690740.